The following is an entry in ClinVar:

ClinVar aggregate classification (germline): Likely pathogenic (1 of 4 stars; one submission).

Conditions:
Macrocephaly, dysmorphic facies, and psychomotor retardation (MDFPMR). Identifiers: Orphanet 457359, MedGen C4310766, MONDO:0014863, OMIM 617011.

Submission:

Variantyx, Inc.
Classification: Likely pathogenic for Macrocephaly, dysmorphic facies, and psychomotor retardation. Last evaluated: 2025-09-05. Review status: criteria provided, single submitter. Criteria: Variantyx Assertion Criteria 2022. Collection method: clinical testing. Allele origin: germline. Inheritance: Autosomal recessive inheritance. Affected: no.
Comment: This is a nonsense variant in the HERC1 gene (OMIM: 605109). Pathogenic variants in this gene have been associated with autosomal recessive macrocephaly, dysmorphic facies, and psychomotor delay. This variant introduces a premature termination codon in exon 2 out of 78 and is expected to result in loss of function, which is a known disease mechanism for HERC1 in this disorder (PMID: 26138117, 26153217, 27108999) (PVS1). It is absent from control populations (PM2) and has not been reported in individuals with HERC1-related disorders in the databases available for review. Based on the current evidence, this variant is classified as likely pathogenic for autosomal recessive macrocephaly, dysmorphic facies, and psychomotor delay.

Literature cited by the submitters: PubMed 6138117; PubMed 26153217; PubMed 27108999.

NM_003922.4(HERC1):c.256C>T (p.Gln86Ter)

Gene: HERC1 (HECT and RLD domain containing E3 ubiquitin protein ligase family member 1; minus strand). Cytogenetic location: 15q22.31.
Variant type: single nucleotide variant.
Coding change: c.256C>T on transcript NM_003922.4 (MANE Select); coding-DNA position 256, C replaced by T.
Protein change: p.Gln86Ter; replaces glutamine 86 with a stop codon.
Molecular consequence: nonsense.
Genome position (GRCh38, 1-based): chr15:63,775,368, G>A on the plus strand (C>T on the coding strand, the complement: HERC1 is on the minus strand). VCF-style: chr15-63775368-G-A. GRCh37 (hg19) VCF-style: chr15-64067567-G-A.
Other names: short protein forms Q86*.
Identifiers: ClinVar variation 4850003 (VCV004850003.1).